The following is an entry in ClinVar:

ClinVar aggregate classification (germline): Uncertain significance (1 of 4 stars; one submission).

gnomAD v4.1: 2 of 1,612,624 alleles (0.00012%); highest among the groups gnomAD compares: African/African-American, 0.0027%; no homozygotes.

Submission:

Ambry Genetics
Classification: Uncertain significance. Last evaluated: 2025-06-02. Review status: criteria provided, single submitter. Criteria: Ambry Variant Classification Scheme 2023. Collection method: clinical testing. Allele origin: germline.
Comment: The p.H150R variant (also known as c.449A>G), located in coding exon 3 of the ATRIP gene, results from an A to G substitution at nucleotide position 449. The histidine at codon 150 is replaced by arginine, an amino acid with highly similar properties. This amino acid position is conserved. In addition, this alteration is predicted to be tolerated by in silico analysis. Based on the available evidence, the clinical significance of this variant remains unclear.

NM_130384.3(ATRIP):c.449A>G (p.His150Arg)

Genes: ATRIP (ATR interacting protein; plus strand), ATRIP-TREX1 (ATRIP-TREX1 readthrough; plus strand). Cytogenetic location: 3p21.31.
Variant type: single nucleotide variant.
Coding change: c.449A>G on transcript NM_130384.3 (MANE Select); coding-DNA position 449, A replaced by G.
Protein change: p.His150Arg; replaces histidine 150 with arginine.
Molecular consequence: missense variant. On other transcripts: non-coding transcript variant (1).
Genome position (GRCh38, 1-based): chr3:48,451,796, A>G. VCF-style: chr3-48451796-A-G. GRCh37 (hg19) VCF-style: chr3-48493202-A-G.
Other names: c.68A>G, p.His23Arg (NM_001271022.2); c.170A>G, p.His57Arg (NM_001271023.2); c.449A>G, p.His150Arg (NM_032166.4); short protein forms H23R, H150R, H57R.
Identifiers: ClinVar variation 3976951 (VCV003976951.1).